The following is an entry in ClinVar:

NM_001009944.3(PKD1):c.24_27dup (p.Ala10fs)

Gene: PKD1 (polycystin 1, transient receptor potential channel interacting; minus strand). Cytogenetic location: 16p13.3.
Variant type: Duplication.
Coding change: c.24_27dup on transcript NM_001009944.3 (MANE Select); coding-DNA positions 24 to 27, 4 bases duplicated (CCTG; older notation c.24_27dupCCTG).
Protein change: p.Ala10fs; shifts the reading frame from alanine 10.
Molecular consequence: frameshift variant.
Genome position (GRCh38, 1-based): chr16:2,135,663-2,135,666, CAGG duplicated on the plus strand (CCTG on the coding strand, the reverse complement: PKD1 is on the minus strand); duplicating any 4 consecutive bases within chr16:2,135,663-2,135,667 gives the same sequence; the c. name uses the placement nearest the transcript's 3' end. VCF-style (leftmost placement, unchanged base first): chr16-2135662-C-CCAGG. GRCh37 (hg19) VCF-style: chr16-2185663-C-CCAGG.
Other names: p.Ala10Profs*105; c.24_27dup, p.Ala10fs (NM_000296.4); short protein forms A10fs.
Identifiers: ClinVar variation 3381143 (VCV003381143.1).

ClinVar aggregate classification (germline): Pathogenic (1 of 4 stars; one submission).

Submission:

Mayo Clinic Laboratories, Mayo Clinic
Classification: Pathogenic. Last evaluated: 2024-09-25. Review status: criteria provided, single submitter. Criteria: ACMG Guidelines, 2015. Collection method: clinical testing. Allele origin: germline. Observed: 2 variant alleles.
Comment: PM2, PS4_supporting, PVS1

Literature cited by the submitters: PubMed 38519376.